The following is an entry in ClinVar:

NM_182961.4(SYNE1):c.8701G>A (p.Glu2901Lys)

Genes: SYNE1 (spectrin repeat containing nuclear envelope protein 1; minus strand), SYNE1-AS1 (SYNE1 antisense RNA 1; plus strand). Cytogenetic location: 6q25.2.
Variant type: single nucleotide variant.
Coding change: c.8701G>A on transcript NM_182961.4 (MANE Select); coding-DNA position 8701, G replaced by A.
Protein change: p.Glu2901Lys; replaces glutamic acid 2901 with lysine.
Molecular consequence: missense variant. On other transcripts: non-coding transcript variant (1).
Genome position (GRCh38, 1-based): chr6:152,381,314, C>T on the plus strand (G>A on the coding strand, the complement: SYNE1 is on the minus strand). VCF-style: chr6-152381314-C-T. GRCh37 (hg19) VCF-style: chr6-152702449-C-T.
Other names: c.8722G>A, p.Glu2908Lys (NM_033071.5); short protein forms E2908K, E2901K.
Identifiers: ClinVar variation 2005070 (VCV002005070.4), dbSNP rs2491656330, ClinGen allele CA366144743.

ClinVar aggregate classification (germline): Uncertain significance (1 of 4 stars; one submission).

Conditions:
Autosomal recessive ataxia, Beauce type. Also called: SYNE1 Deficiency; Spinocerebellar ataxia, autosomal recessive 8; ATAXIA, RECESSIVE, OF BEAUCE; SYNE1-Related Autosomal Recessive Cerebellar Ataxia. Identifiers: Orphanet 88644, MedGen C1853116, MONDO:0012549, OMIM 610743.
Emery-Dreifuss muscular dystrophy 4, autosomal dominant (EDMD4). Also called: EMERY-DREIFUSS MUSCULAR DYSTROPHY 4 WITH VARIABLE FEATURES. Identifiers: Orphanet 261, MedGen C2751807, MONDO:0013071, OMIM 612998.

Allele frequency attached by ClinVar (database versions not stated): gnomAD exomes below 0.00001.
gnomAD v4.1: 2 of 1,614,148 alleles (0.00012%); highest among the groups gnomAD compares: Non-Finnish European, 0.00017%; no homozygotes.

Submission:

Labcorp Genetics (formerly Invitae), Labcorp
Classification: Uncertain significance for Emery-Dreifuss muscular dystrophy 4, autosomal dominant; Autosomal recessive ataxia, Beauce type. Last evaluated: 2024-04-05. Review status: criteria provided, single submitter. Criteria: Invitae Variant Classification Sherloc (09022015). Collection method: clinical testing. Allele origin: germline.
Comment: This sequence change replaces glutamic acid, which is acidic and polar, with lysine, which is basic and polar, at codon 2908 of the SYNE1 protein (p.Glu2908Lys). This variant is not present in population databases (gnomAD no frequency). This variant has not been reported in the literature in individuals affected with SYNE1-related conditions. ClinVar contains an entry for this variant (Variation ID: 2005070). An algorithm developed to predict the effect of missense changes on protein structure and function (PolyPhen-2) suggests that this variant is likely to be disruptive. In summary, the available evidence is currently insufficient to determine the role of this variant in disease. Therefore, it has been classified as a Variant of Uncertain Significance.